The following is an entry in ClinVar:

NM_005445.4(SMC3):c.714A>G (p.Lys238=)

Gene: SMC3 (structural maintenance of chromosomes 3; plus strand). Cytogenetic location: 10q25.2.
Variant type: single nucleotide variant.
Coding change: c.714A>G on transcript NM_005445.4 (MANE Select); coding-DNA position 714, A replaced by G.
Protein change: p.Lys238=; no amino-acid change (lysine 238 retained).
Molecular consequence: synonymous variant.
Genome position (GRCh38, 1-based): chr10:110,582,089, A>G. VCF-style: chr10-110582089-A-G. GRCh37 (hg19) VCF-style: chr10-112341847-A-G.
Identifiers: ClinVar variation 3036234 (VCV003036234.3), dbSNP rs144306349, ClinGen allele CA5687793.

ClinVar aggregate classification (germline): Likely benign. Review status: criteria provided, single submitter (1 of 4 stars). 2 submissions from 2 submitters: Likely benign (1). 1 of the submissions does not count toward it. Last evaluated 2024-08-16.

Conditions:
SMC3-related disorder. Also called: SMC3-related condition.

Allele frequency attached by ClinVar (database versions not stated): gnomAD 0.00001; TOPMed 0.00001; ExAC 0.00002; gnomAD exomes 0.00002; ESP Exome Variant Server 0.00008.
gnomAD v4.1: 11 of 1,613,100 alleles (0.00068%); highest among the groups gnomAD compares: Non-Finnish European, 0.00093%; no homozygotes.

Submissions (2):

Blueprint Genetics
Classification: Likely benign. Last evaluated: 2024-08-16. Review status: criteria provided, single submitter. Criteria: ACMG Guidelines, 2015. Collection method: clinical testing. Allele origin: germline.

PreventionGenetics, part of Exact Sciences
Classification: Likely benign for SMC3-related condition. Last evaluated: 2023-05-30. Review status: no assertion criteria provided. Collection method: clinical testing. Allele origin: germline. Not counted in ClinVar's aggregate classification.
Comment: This variant is classified as likely benign based on ACMG/AMP sequence variant interpretation guidelines (Richards et al. 2015 PMID: 25741868, with internal and published modifications).